The following is an entry in ClinVar:

ClinVar aggregate classification (germline): Uncertain significance. Review status: criteria provided, multiple submitters, no conflicts (2 of 4 stars). 3 submissions from 3 submitters: Uncertain significance (3). Last evaluated 2025-12-29.

Conditions:
Cardiovascular phenotype. Identifiers: MedGen CN230736.
Hypertrophic cardiomyopathy 26. Also called: Cardiomyopathy, familial hypertrophic, 26. Identifiers: Orphanet 75249, MedGen C4310749, MONDO:0014883, OMIM 617047.
Myofibrillar myopathy 5. Also called: FILAMINOPATHY, AUTOSOMAL DOMINANT; Filaminopathy (type). Identifiers: Orphanet 171445, MedGen C1836050, MONDO:0012289, OMIM 609524.
Distal myopathy with posterior leg and anterior hand involvement. Also called: WILLIAMS DISTAL MYOPATHY. Identifiers: Orphanet 63273, MedGen C3279722, MONDO:0013550, OMIM 614065.

Submissions (3):

Labcorp Genetics (formerly Invitae), Labcorp
Classification: Uncertain significance for Distal myopathy with posterior leg and anterior hand involvement; Myofibrillar myopathy 5; Hypertrophic cardiomyopathy 26. Last evaluated: 2025-12-29. Review status: criteria provided, single submitter. Criteria: Invitae Variant Classification Sherloc (09022015). Collection method: clinical testing. Allele origin: germline.
Comment: This sequence change replaces glycine, which is neutral and non-polar, with aspartic acid, which is acidic and polar, at codon 1184 of the FLNC protein (p.Gly1184Asp). This variant is not present in population databases (gnomAD no frequency). This variant has not been reported in the literature in individuals affected with FLNC-related conditions. ClinVar contains an entry for this variant (Variation ID: 1308351). Invitae Evidence Modeling of protein sequence and biophysical properties (such as structural, functional, and spatial information, amino acid conservation, physicochemical variation, residue mobility, and thermodynamic stability) has been performed for this missense variant. However, the output from this modeling did not meet the statistical confidence thresholds required to predict the impact of this variant on FLNC protein function. In summary, the available evidence is currently insufficient to determine the role of this variant in disease. Therefore, it has been classified as a Variant of Uncertain Significance.

Ambry Genetics
Classification: Uncertain significance for Cardiovascular phenotype. Last evaluated: 2025-05-26. Review status: criteria provided, single submitter. Criteria: Ambry Variant Classification Scheme 2023. Collection method: clinical testing. Allele origin: germline.
Comment: The p.G1184D variant (also known as c.3551G>A), located in coding exon 21 of the FLNC gene, results from a G to A substitution at nucleotide position 3551. The glycine at codon 1184 is replaced by aspartic acid, an amino acid with similar properties. This amino acid position is conserved. In addition, this alteration is predicted to be deleterious by in silico analysis. Based on the available evidence, the clinical significance of this variant remains unclear.

GeneDx
Classification: Uncertain significance. Last evaluated: 2019-03-26. Review status: criteria provided, single submitter. Criteria: GeneDx Variant Classification Process June 2021. Collection method: clinical testing. Allele origin: germline. Affected: yes.
Comment: Not observed in large population cohorts (Lek et al., 2016); In silico analysis, which includes protein predictors and evolutionary conservation, supports a deleterious effect; Has not been previously published as pathogenic or benign to our knowledge

NM_001458.5(FLNC):c.3551G>A (p.Gly1184Asp)

Gene: FLNC (filamin C; plus strand). Cytogenetic location: 7q32.1.
Variant type: single nucleotide variant.
Coding change: c.3551G>A on transcript NM_001458.5 (MANE Select); coding-DNA position 3551, G replaced by A.
Protein change: p.Gly1184Asp; replaces glycine 1184 with aspartic acid.
Molecular consequence: missense variant.
Genome position (GRCh38, 1-based): chr7:128,845,016, G>A. VCF-style: chr7-128845016-G-A. GRCh37 (hg19) VCF-style: chr7-128485070-G-A.
Other names: c.3551G>A, p.Gly1184Asp (NM_001127487.2); short protein forms G1184D.
Identifiers: ClinVar variation 1308351 (VCV001308351.5), dbSNP rs2128936473, ClinGen allele CA369197220.
Genomic context (GRCh38, chr7:128,845,016, plus strand): 5'-GCCTGGAGCGCGGCAAGGTCGGTGAGGCAGCCACCTTCACTGTGGACTGCTCAGAGGCAG[G>A]CGAGGCGGAGCTGACCATTGAGATCCTGTCGGATGCCGGGGTCAAGGCCGAGGTGCTGAT-3'
Protein context (NP_001449.3, residues 1174-1194): ATFTVDCSEA[Gly1184Asp]EAELTIEILS